The following is an entry in ClinVar:

NM_001377299.1(NDUFS2):c.628-12C>T

Gene: NDUFS2 (NADH:ubiquinone oxidoreductase core subunit S2; plus strand). Cytogenetic location: 1q23.3.
Variant type: single nucleotide variant.
Coding change: c.628-12C>T on transcript NM_001377299.1 (MANE Select); 12 bases into the intron before coding-DNA position 628, C replaced by T.
Molecular consequence: intron variant.
Genome position (GRCh38, 1-based): chr1:161,209,845, C>T. VCF-style: chr1-161209845-C-T. GRCh37 (hg19) VCF-style: chr1-161179635-C-T.
Other names: c.628-12C>T (NM_001377300.1, NM_001377298.1, NM_001377301.1 and 3 more transcripts).
Identifiers: ClinVar variation 138484 (VCV000138484.13), dbSNP rs202121443, ClinGen allele CA292495.
Genomic context (GRCh38, chr1:161,209,845, plus strand): 5'-GTGGGGGAGTAGGCCATCATAGGACCTGGGGGCCTGGGACTTTGACACTAATTCCCAGCA[C>T]GTTCTATGAAGATGTTTGAGTTCTACGAGCGAGTGTCTGGAGCCCGAATGCATGCTGCTT-3'

ClinVar aggregate classification (germline): Conflicting classifications of pathogenicity. Review status: criteria provided, conflicting classifications (1 of 4 stars). 4 submissions from 4 submitters: Uncertain significance (1); Benign (1); Likely benign (2). Last evaluated 2025-12-24.

Conditions:
Mitochondrial complex I deficiency, nuclear type 1. Also called: NADH-COENZYME Q REDUCTASE DEFICIENCY; MITOCHONDRIAL NADH DEHYDROGENASE COMPONENT OF COMPLEX I, DEFICIENCY OF. Identifiers: MedGen C6022305, MONDO:0100224, OMIM 252010.

Allele frequency attached by ClinVar (database versions not stated): 1000 Genomes Project 30x 0.00016; 1000 Genomes Project 0.00020; ESP Exome Variant Server 0.00038; TOPMed 0.00062; gnomAD 0.00072 and 0.00075; gnomAD exomes 0.00082 and 0.00092; ExAC 0.00116.
gnomAD v4.1: 1,433 of 1,613,340 alleles (0.089%); highest among the groups gnomAD compares: Non-Finnish European, 0.11%; 1 homozygote.

Submissions (4):

Labcorp Genetics (formerly Invitae), Labcorp
Classification: Likely benign. Last evaluated: 2025-12-24. Review status: criteria provided, single submitter. Criteria: Invitae Variant Classification Sherloc (09022015). Collection method: clinical testing. Allele origin: germline.

Blueprint Genetics
Classification: Likely benign. Last evaluated: 2024-11-25. Review status: criteria provided, single submitter. Criteria: ACMG Guidelines, 2015. Collection method: clinical testing. Allele origin: germline.

Illumina Laboratory Services, Illumina
Classification: Uncertain significance for Mitochondrial complex I deficiency, nuclear type 1. Last evaluated: 2018-01-13. Review status: criteria provided, single submitter. Criteria: ICSL Variant Classification Criteria 13 December 2019. Collection method: clinical testing. Allele origin: germline.

GeneDx
Classification: Benign. Last evaluated: 2014-03-26. Review status: criteria provided, single submitter. Criteria: GeneDx Variant Classification (06012015). Collection method: clinical testing. Allele origin: germline. Affected: yes.
Comment: This variant is considered likely benign or benign based on one or more of the following criteria: it is a conservative change, it occurs at a poorly conserved position in the protein, it is predicted to be benign by multiple in silico algorithms, and/or has population frequency not consistent with disease.